The following is an entry in ClinVar:

ClinVar aggregate classification (germline): Pathogenic (1 of 4 stars; one submission).

Conditions:
Homocystinuria. Identifiers: MedGen C0019880, MONDO:0004737, HP:0002156.

Submission:

Women's Health and Genetics/Laboratory Corporation of America, LabCorp
Classification: Pathogenic for Homocystinuria. Last evaluated: 2023-12-15. Review status: criteria provided, single submitter. Criteria: LabCorp Variant Classification Summary - May 2015. Collection method: clinical testing. Allele origin: germline.
Comment: Variant summary: CBS c.829_830ins68 (p.Ile277AsnfsX17) results in a premature termination codon, predicted to cause a truncation of the encoded protein or absence of the protein due to nonsense mediated decay, which are commonly known mechanisms for disease. The variant was absent in 250454 control chromosomes. To our knowledge, no occurrence of c.829_830ins68 in individuals affected with Homocystinuria and no experimental evidence demonstrating its impact on protein function have been reported. No submitters have cited clinical-significance assessments for this variant to ClinVar after 2014. Based on the evidence outlined above, the variant was classified as pathogenic.

NM_000071.3(CBS):c.829_830insACACTGGGGTGGATCATCCAGGTGGGGCTTTTGCTGGCCTTGAGCCCTGAAGCCGCGCCCTCTGCAGA

Gene: CBS (cystathionine beta-synthase; minus strand). Cytogenetic location: 21q22.3.
Variant type: Insertion.
Coding change: c.829_830insACACTGGGGTGGATCATCCAGGTGGGGCTTTTGCTGGCCTTGAGCCCTGAAGCCGCGCCCTCTGCAGA on transcript NM_000071.3 (MANE Select); coding-DNA positions 829 to 830, ACACTGGGGTGGATCATCCAGGTGGGGCTTTTGCTGGCCTTGAGCCCTGAAGCCGCGCCCTCTGCAGA inserted.
Molecular consequence: splice acceptor variant.
Genome position: GRCh38: chr21:43,063,122-43,063,123. GRCh37 (hg19): chr21:44,483,232-44,483,233.
Identifiers: ClinVar variation 2691710 (VCV002691710.1), ClinGen allele CA2697547532.